The following is an entry in ClinVar:

ClinVar aggregate classification (germline): Uncertain significance (1 of 4 stars; one submission).

Allele frequency attached by ClinVar (database versions not stated): gnomAD exomes below 0.00001.

Submission:

Labcorp Genetics (formerly Invitae), Labcorp
Classification: Uncertain significance. Last evaluated: 2023-08-02. Review status: criteria provided, single submitter. Criteria: Invitae Variant Classification Sherloc (09022015). Collection method: clinical testing. Allele origin: germline.
Comment: In summary, the available evidence is currently insufficient to determine the role of this variant in disease. Therefore, it has been classified as a Variant of Uncertain Significance. Variants that disrupt the consensus splice site are a relatively common cause of aberrant splicing (PMID: 17576681, 9536098). Algorithms developed to predict the effect of sequence changes on RNA splicing suggest that this variant may disrupt the consensus splice site. This variant has not been reported in the literature in individuals affected with GALNT12-related conditions. This variant is present in population databases (no rsID available, gnomAD 0.01%). This sequence change falls in intron 1 of the GALNT12 gene. It does not directly change the encoded amino acid sequence of the GALNT12 protein. It affects a nucleotide within the consensus splice site.

Literature cited by the submitters: PubMed 17576681; PubMed 9536098.

NM_024642.5(GALNT12):c.372-3C>T

Gene: GALNT12 (polypeptide N-acetylgalactosaminyltransferase 12; plus strand). Cytogenetic location: 9q22.33.
Variant type: single nucleotide variant.
Coding change: c.372-3C>T on transcript NM_024642.5 (MANE Select); 3 bases into the intron before coding-DNA position 372, C replaced by T.
Molecular consequence: intron variant.
Genome position (GRCh38, 1-based): chr9:98,823,253, C>T. VCF-style: chr9-98823253-C-T. GRCh37 (hg19) VCF-style: chr9-101585535-C-T.
Identifiers: ClinVar variation 2999819 (VCV002999819.3), dbSNP rs1420264104, ClinGen allele CA589583100.